The following is an entry in ClinVar:

ClinVar aggregate classification (germline): Uncertain significance (1 of 4 stars; one submission).

Conditions:
TNF receptor-associated periodic fever syndrome (TRAPS) (FPF). Also called: FAMILIAL HIBERNIAN FEVER; TNF RECEPTOR-ASSOCIATED PERIODIC SYNDROME; TUMOR NECROSIS FACTOR RECEPTOR-ASSOCIATED PERIODIC SYNDROME; Autosomal Dominant Familial Periodic Fever; TNF Receptor-Associated Periodic Fever Syndrome; TNF receptor 1-associated periodic fever syndrome. Identifiers: Orphanet 32960, MedGen C1275126, MONDO:0007727, OMIM 142680.

Submission:

Labcorp Genetics (formerly Invitae), Labcorp
Classification: Uncertain significance for TNF receptor-associated periodic fever syndrome (TRAPS). Last evaluated: 2023-02-05. Review status: criteria provided, single submitter. Criteria: Invitae Variant Classification Sherloc (09022015). Collection method: clinical testing. Allele origin: germline.
Comment: This sequence change replaces glycine, which is neutral and non-polar, with valine, which is neutral and non-polar, at codon 209 of the TNFRSF1A protein (p.Gly209Val). This variant is not present in population databases (gnomAD no frequency). This variant has not been reported in the literature in individuals affected with TNFRSF1A-related conditions. Algorithms developed to predict the effect of missense changes on protein structure and function are either unavailable or do not agree on the potential impact of this missense change (SIFT: "Tolerated"; PolyPhen-2: "Probably Damaging"; Align-GVGD: "Class C0"). In summary, the available evidence is currently insufficient to determine the role of this variant in disease. Therefore, it has been classified as a Variant of Uncertain Significance.

NM_001065.4(TNFRSF1A):c.626G>T (p.Gly209Val)

Gene: TNFRSF1A (TNF receptor superfamily member 1A; minus strand). Cytogenetic location: 12p13.31.
Variant type: single nucleotide variant.
Coding change: c.626G>T on transcript NM_001065.4 (MANE Select); coding-DNA position 626, G replaced by T.
Protein change: p.Gly209Val; replaces glycine 209 with valine.
Molecular consequence: missense variant. On other transcripts: non-coding transcript variant (1).
Genome position (GRCh38, 1-based): chr12:6,330,711, C>A on the plus strand (G>T on the coding strand, the complement: TNFRSF1A is on the minus strand). VCF-style: chr12-6330711-C-A. GRCh37 (hg19) VCF-style: chr12-6439877-C-A.
Other names: c.302G>T, p.Gly101Val (NM_001346091.2); c.167G>T, p.Gly56Val (NM_001346092.2); short protein forms G101V, G56V, G209V.
Identifiers: ClinVar variation 2834843 (VCV002834843.3), dbSNP rs2497792269, ClinGen allele CA383547884.
Genomic context (GRCh38, chr12:6,330,711, plus strand): 5'-AAGAGGAGGGATAAAAGGCAAAGACCAAAGAAAATGACCAGGGGCAACAGCACTGTGGTG[C>A]CTGCAGACAAAGCAGGTGTTGGTCAGAGGAGCGGGCAGAGGGGGGCCGCAGGGATAGATG-3'
Protein context (NP_001056.1, residues 199-219): IENVKGTEDS[Gly209Val]TTVLLPLVIF